The following is an entry in ClinVar:

ClinVar aggregate classification (germline): Uncertain significance. Review status: criteria provided, multiple submitters, no conflicts (2 of 4 stars). 2 submissions from 2 submitters: Uncertain significance (2). Last evaluated 2025-06-16.

Conditions:
Inborn genetic diseases. Identifiers: MedGen C0950123, MeSH D030342.

Allele frequency attached by ClinVar (database versions not stated): TOPMed 0.00009; ESP Exome Variant Server 0.00015.
gnomAD v4.1: 18 of 1,613,392 alleles (0.0011%); highest among the groups gnomAD compares: African/African-American, 0.02%; no homozygotes.

Submissions (2):

Ambry Genetics
Classification: Uncertain significance for Inborn genetic diseases. Last evaluated: 2025-06-16. Review status: criteria provided, single submitter. Criteria: Ambry Variant Classification Scheme 2023. Collection method: clinical testing. Allele origin: germline.

Labcorp Genetics (formerly Invitae), Labcorp
Classification: Uncertain significance. Last evaluated: 2024-05-15. Review status: criteria provided, single submitter. Criteria: Invitae Variant Classification Sherloc (09022015). Collection method: clinical testing. Allele origin: germline.
Comment: This sequence change replaces alanine, which is neutral and non-polar, with serine, which is neutral and polar, at codon 659 of the LAMC3 protein (p.Ala659Ser). This variant is present in population databases (rs141075974, gnomAD 0.03%). This variant has not been reported in the literature in individuals affected with LAMC3-related conditions. ClinVar contains an entry for this variant (Variation ID: 1479457). An algorithm developed to predict the effect of missense changes on protein structure and function (PolyPhen-2) suggests that this variant is likely to be disruptive. In summary, the available evidence is currently insufficient to determine the role of this variant in disease. Therefore, it has been classified as a Variant of Uncertain Significance.

NM_006059.4(LAMC3):c.1975G>T (p.Ala659Ser)

Gene: LAMC3 (laminin subunit gamma 3; plus strand). Cytogenetic location: 9q34.12.
Variant type: single nucleotide variant.
Coding change: c.1975G>T on transcript NM_006059.4 (MANE Select); coding-DNA position 1975, G replaced by T.
Protein change: p.Ala659Ser; replaces alanine 659 with serine.
Molecular consequence: missense variant.
Genome position (GRCh38, 1-based): chr9:131,056,964, G>T. VCF-style: chr9-131056964-G-T. GRCh37 (hg19) VCF-style: chr9-133932351-G-T.
Other names: c.1975G>T (NM_006059.3); short protein forms A659S.
Identifiers: ClinVar variation 1479457 (VCV001479457.5), dbSNP rs141075974, ClinGen allele CA5287297.